The following is an entry in ClinVar:

ClinVar aggregate classification (germline): Conflicting classifications of pathogenicity. Review status: criteria provided, conflicting classifications (1 of 4 stars). 9 submissions from 9 submitters: Pathogenic (5); Likely pathogenic (2); Uncertain significance (1). 1 of the submissions does not count toward it. Last evaluated 2026-08-06.

Conditions:
Cystic fibrosis diagnostic test.
CFTR-related disorder (CFTR-RD). Also called: CFTR-related disorders; CFTR-related condition. Identifiers: MedGen C5924204, MONDO:7770004.
Hereditary pancreatitis (PCTT). Also called: Hereditary chronic pancreatitis; PRSS1-Related Hereditary Pancreatitis. Identifiers: Orphanet 676, MedGen C0238339, MONDO:0008185, OMIM 167800.
Cystic fibrosis (CF). Also called: MUCOVISCIDOSIS. Identifiers: Orphanet 586, MedGen C0010674, MONDO:0009061, OMIM 219700. Disease mechanism: loss of function.

Submissions (9):

NHS Central & South Genomic Laboratory Hub
Classification: Pathogenic for Cystic fibrosis diagnostic test. Last evaluated: 2026-08-06. Review status: criteria provided, single submitter. Criteria: ACMG Guidelines, 2015. Collection method: clinical testing. Allele origin: germline. Affected: yes.

Women's Health and Genetics/Laboratory Corporation of America, LabCorp
Classification: Pathogenic for Cystic fibrosis. Last evaluated: 2026-06-24. Review status: criteria provided, single submitter. Criteria: LabCorp Variant Classification Summary - May 2015. Collection method: clinical testing. Allele origin: germline.
Comment: Variant summary: CFTR c.2908G>A (p.Gly970Ser) results in a non-conservative amino acid change located in the ABC transporter type 1, transmembrane domain (IPR011527) of the encoded protein sequence. Algorithms developed to predict the effect of missense changes on protein structure and function all suggest that this variant is likely to be disruptive. Several computational tools predict a significant impact on normal splicing: Two predict that the variant abolishes a 5' splicing donor site. One predicts the variant weakens a 5' donor site. One predicts the variant has no significant impact on splicing. Experimental evidence has demonstrated that this variant affects mRNA splicing, resulting in misspliced transcripts and loss of the normally spliced full-length CFTR transcript (Joynt_2020). The variant was absent in 251120 control chromosomes. c.2908G>A has been observed in individual(s) affected with CFTR-related conditions (e.g. Ortiz_2017, Internal_testing). At least one publication reports experimental evidence evaluating an impact on protein function. The most pronounced variant effect results in approximately 18.9% of normal chloride channel conductance relative to wild type (Bihler_2024). The following publications have been ascertained in the context of this evaluation (PMID: 29178639, 38388235, 33085659). ClinVar contains an entry for this variant (Variation ID: 53589). Based on the evidence outlined above, the variant was classified as pathogenic.

3billion
Classification: Likely pathogenic for Cystic fibrosis. Last evaluated: 2025-11-07. Review status: criteria provided, single submitter. Criteria: ACMG Guidelines, 2015. Collection method: clinical testing. Allele origin: germline. Affected: yes.
Comment: The variant is not observed in the gnomAD v4.1.0 dataset. Predicted Consequence/Location: Missense variant In silico tool predictions suggest damaging effect of the variant on gene or gene product [REVEL: 0.95 (>=0.6, sensitivity 0.68 and specificity 0.92); 3Cnet: 0.98 (> 0.75, sensitivity 0.96 and precision 0.92)]. The same nucleotide change resulting in the same amino acid change has been previously reported as pathogenic/likely pathogenic with strong evidence (ClinVar ID: VCV000053589). Different missense changes at the same codon (p.Gly970Arg, p.Gly970Asp) have been reported as pathogenic/likely pathogenic with strong evidence (ClinVar ID: VCV000035854, VCV000053590 /PMID: 10453741, 7508414). Therefore, this variant is classified as Likely pathogenic according to the recommendation of ACMG/AMP guideline.

Natera, Inc.
Classification: Likely pathogenic for CFTR-related disorders. Last evaluated: 2024-09-19. Review status: criteria provided, single submitter. Criteria: Natera Variant Classification Schema (03/2026). Collection method: clinical testing. Allele origin: germline.
Comment: The c.2908G>A variant in CFTR is a missense variant predicted to cause substitution of glycine to serine at amino acid 970. This variant is rare in the general population with a frequency below the threshold expected for the associated phenotype(s). Functional studies show that this variant may disrupt protein function (PMID: 33085659). A different variant at the same position has been determined to be Pathogenic or Likely Pathogenic. Computational prediction algorithms indicate this variant is likely to affect gene or protein function. Given the available evidence, this variant is classified as Likely Pathogenic.

GeneDx
Classification: Pathogenic. Last evaluated: 2024-08-22. Review status: criteria provided, single submitter. Criteria: GeneDx Variant Classification Process June 2021. Collection method: clinical testing. Allele origin: germline. Affected: yes.
Comment: Observed in individuals with cystic fibrosis in published literature, but in whom a second CFTR variant was not specified and additional clinical information was not included (PMID: 32143663, 29178639); RNA studies demonstrate a damaging effect with partial skipping of exon 17 leading to truncated isoforms (PMID: 33085659); In silico analysis supports that this missense variant has a deleterious effect on splicing; Not observed at significant frequency in large population cohorts (gnomAD); This variant is associated with the following publications: (PMID: 25525159, 29178639, 32143663, 38388235, 33085659)

Labcorp Genetics (formerly Invitae), Labcorp
Classification: Pathogenic for Cystic fibrosis. Last evaluated: 2024-08-14. Review status: criteria provided, single submitter. Criteria: Invitae Variant Classification Sherloc (09022015). Collection method: clinical testing. Allele origin: germline.
Comment: This sequence change replaces glycine, which is neutral and non-polar, with serine, which is neutral and polar, at codon 970 of the CFTR protein (p.Gly970Ser). This variant also falls at the last nucleotide of exon 17, which is part of the consensus splice site for this exon. This variant is not present in population databases (gnomAD no frequency). This missense change has been observed in individual(s) with cystic fibrosis (PMID: 29178639; Invitae). ClinVar contains an entry for this variant (Variation ID: 53589). An algorithm developed to predict the effect of missense changes on protein structure and function (PolyPhen-2) suggests that this variant is likely to be disruptive. Variants that disrupt the consensus splice site are a relatively common cause of aberrant splicing (PMID: 17576681, 9536098). Studies have shown that this missense change is associated with altered splicing resulting in multiple RNA products (PMID: 33085659). For these reasons, this variant has been classified as Pathogenic.

Quest Diagnostics Nichols Institute San Juan Capistrano
Classification: Uncertain significance. Last evaluated: 2022-11-04. Review status: criteria provided, single submitter. Criteria: Quest Diagnostics criteria. Collection method: clinical testing. Allele origin: unknown.
Comment: The variant has not been reported in large, multi-ethnic general populations. In the published literature, the variant has been reported in affected individuals with Cystic Fibrosis (PMID: 29178639 (2017)). Analysis of this variant using bioinformatics tools for the prediction of the effect of amino acid changes on protein structure and function yielded predictions that this variant is damaging. Based on the available information, we are unable to determine the clinical significance of this variant.

Mendelics
Classification: Pathogenic for Hereditary pancreatitis. Last evaluated: 2022-05-04. Review status: criteria provided, single submitter. Criteria: Mendelics Assertion Criteria 2019. Collection method: clinical testing. Allele origin: germline.

Counsyl
Classification: Uncertain significance for Cystic fibrosis. Last evaluated: 2018-03-21. Review status: no assertion criteria provided. Collection method: clinical testing. Allele origin: unknown. Not counted in ClinVar's aggregate classification.

Literature cited by the submitters: PubMed 29178639 (cited by 4 submitters); PubMed 33085659 (cited by 3 submitters); PubMed 38388235 (cited by Women's Health and Genetics/Laboratory Corporation of America, LabCorp); PubMed 10453741 (cited by 3billion); PubMed 17576681 (cited by Labcorp Genetics (formerly Invitae), Labcorp); PubMed 9536098 (cited by Labcorp Genetics (formerly Invitae), Labcorp); PubMed 25525159 (cited by Quest Diagnostics Nichols Institute San Juan Capistrano).

NM_000492.4(CFTR):c.2908G>A (p.Gly970Ser)

Gene: CFTR (CF transmembrane conductance regulator; plus strand). Cytogenetic location: 7q31.2.
Variant type: single nucleotide variant.
Coding change: c.2908G>A on transcript NM_000492.4 (MANE Select); coding-DNA position 2908, G replaced by A.
Protein change: p.Gly970Ser; replaces glycine 970 with serine.
Molecular consequence: missense variant.
Genome position (GRCh38, 1-based): chr7:117,603,782, G>A. VCF-style: chr7-117603782-G-A. GRCh37 (hg19) VCF-style: chr7-117243836-G-A.
Other names: short protein forms G970S.
Identifiers: ClinVar variation 53589 (VCV000053589.12), dbSNP rs397508453, ClinGen allele CA326958.